The following is an entry in ClinVar:

NM_001174150.2(ARL13B):c.798G>A (p.Glu266=)

Gene: ARL13B (ARF like GTPase 13B; plus strand). Cytogenetic location: 3q11.2.
Variant type: single nucleotide variant.
Coding change: c.798G>A on transcript NM_001174150.2 (MANE Select); coding-DNA position 798, G replaced by A.
Protein change: p.Glu266=; no amino-acid change (glutamic acid 266 retained).
Molecular consequence: synonymous variant. On other transcripts: non-coding transcript variant (2).
Genome position (GRCh38, 1-based): chr3:94,039,988, G>A. VCF-style: chr3-94039988-G-A. GRCh37 (hg19) VCF-style: chr3-93758832-G-A.
Other names: c.489G>A, p.Glu163= (NM_001174151.2); c.753G>A, p.Glu251= (NM_001321328.2); c.477G>A, p.Glu159= (NM_144996.4); c.798G>A, p.Glu266= (NM_182896.3).
Identifiers: ClinVar variation 1006859 (VCV001006859.5), dbSNP rs2076835930, ClinGen allele CA434628888.

ClinVar aggregate classification (germline): Uncertain significance (1 of 4 stars; one submission).

Conditions:
Joubert syndrome 8 (JBTS8). Identifiers: Orphanet 475, MedGen C2676771, MONDO:0012855, OMIM 612291.

Submission:

Labcorp Genetics (formerly Invitae), Labcorp
Classification: Uncertain significance for Joubert syndrome 8. Last evaluated: 2020-08-18. Review status: criteria provided, single submitter. Criteria: Invitae Variant Classification Sherloc (09022015). Collection method: clinical testing. Allele origin: germline.
Comment: Nucleotide substitutions within the consensus splice site are a relatively common cause of aberrant splicing (PMID: 17576681, 9536098). Algorithms developed to predict the effect of sequence changes on RNA splicing suggest that this variant may disrupt the consensus splice site, but this prediction has not been confirmed by published transcriptional studies. In summary, the available evidence is currently insufficient to determine the role of this variant in disease. Therefore, it has been classified as a Variant of Uncertain Significance. This variant has not been reported in the literature in individuals with ARL13B-related conditions. This sequence change affects codon 266 of the ARL13B mRNA. It is a 'silent' change, meaning that it does not change the encoded amino acid sequence of the ARL13B protein. This variant also falls at the last nucleotide of exon 6 of the ARL13B coding sequence, which is part of the consensus splice site for this exon. This variant is not present in population databases (ExAC no frequency).

Literature cited by the submitters: PubMed 17576681; PubMed 9536098.